The following is an entry in ClinVar:

ClinVar aggregate classification (germline): Benign (1 of 4 stars; one submission).

Allele frequency attached by ClinVar (database versions not stated): TOPMed 0.20674; gnomAD 0.21742 and 0.22264; 1000 Genomes Project 30x 0.22111; 1000 Genomes Project 0.22843.
gnomAD v4.1: 33,940 of 152,210 alleles (22%); highest among the groups gnomAD compares: East Asian, 48%; 4,745 homozygotes.

Submission:

GeneDx
Classification: Benign. Last evaluated: 2018-06-19. Review status: criteria provided, single submitter. Criteria: GeneDx Variant Classification (06012015). Collection method: clinical testing. Allele origin: germline. Affected: yes.
Comment: This variant is considered likely benign or benign based on one or more of the following criteria: it is a conservative change, it occurs at a poorly conserved position in the protein, it is predicted to be benign by multiple in silico algorithms, and/or has population frequency not consistent with disease.

NM_001958.5(EEF1A2):c.325-291C>T

Gene: EEF1A2 (eukaryotic translation elongation factor 1 alpha 2; minus strand). Cytogenetic location: 20q13.33.
Variant type: single nucleotide variant.
Coding change: c.325-291C>T on transcript NM_001958.5 (MANE Select); 291 bases into the intron before coding-DNA position 325, C replaced by T.
Molecular consequence: intron variant.
Genome position (GRCh38, 1-based): chr20:63,495,392, G>A on the plus strand (C>T on the coding strand, the complement: EEF1A2 is on the minus strand). VCF-style: chr20-63495392-G-A. GRCh37 (hg19) VCF-style: chr20-62126745-G-A.
Identifiers: ClinVar variation 668129 (VCV000668129.1), dbSNP rs2750395, ClinGen allele CA15968125.